The following is an entry in ClinVar:

ClinVar aggregate classification (germline): Uncertain significance (1 of 4 stars; one submission).

Allele frequency attached by ClinVar (database versions not stated): gnomAD exomes below 0.00001.
gnomAD v4.1: 3 of 1,614,022 alleles (0.00019%); highest among the groups gnomAD compares: Admixed American, 0.0017%; no homozygotes.

Submission:

Labcorp Genetics (formerly Invitae), Labcorp
Classification: Uncertain significance. Last evaluated: 2022-03-07. Review status: criteria provided, single submitter. Criteria: Invitae Variant Classification Sherloc (09022015). Collection method: clinical testing. Allele origin: germline.
Comment: In summary, the available evidence is currently insufficient to determine the role of this variant in disease. Therefore, it has been classified as a Variant of Uncertain Significance. This variant is present in population databases (no rsID available, gnomAD no frequency). This sequence change replaces glutamic acid, which is acidic and polar, with lysine, which is basic and polar, at codon 87 of the CLCN7 protein (p.Glu87Lys). This variant has not been reported in the literature in individuals affected with CLCN7-related conditions. ClinVar contains an entry for this variant (Variation ID: 1018356). Advanced modeling of protein sequence and biophysical properties (such as structural, functional, and spatial information, amino acid conservation, physicochemical variation, residue mobility, and thermodynamic stability) performed at Invitae indicates that this missense variant is not expected to disrupt CLCN7 protein function.

NM_001287.6(CLCN7):c.259G>A (p.Glu87Lys)

Gene: CLCN7 (chloride voltage-gated channel 7; minus strand). Cytogenetic location: 16p13.3.
Variant type: single nucleotide variant.
Coding change: c.259G>A on transcript NM_001287.6 (MANE Select); coding-DNA position 259, G replaced by A.
Protein change: p.Glu87Lys; replaces glutamic acid 87 with lysine.
Molecular consequence: missense variant.
Genome position (GRCh38, 1-based): chr16:1,461,629, C>T on the plus strand (G>A on the coding strand, the complement: CLCN7 is on the minus strand). VCF-style: chr16-1461629-C-T. GRCh37 (hg19) VCF-style: chr16-1511630-C-T.
Other names: c.187G>A, p.Glu63Lys (NM_001114331.3); short protein forms E63K, E87K.
Identifiers: ClinVar variation 1018356 (VCV001018356.8), dbSNP rs1161063400, ClinGen allele CA394193197.